The following is an entry in ClinVar:

NM_022552.5(DNMT3A):c.639+5G>A

Gene: DNMT3A (DNA methyltransferase 3 alpha; minus strand). Cytogenetic location: 2p23.3.
Variant type: single nucleotide variant.
Coding change: c.639+5G>A on transcript NM_022552.5 (MANE Select); 5 bases into the intron after coding-DNA position 639, G replaced by A.
Molecular consequence: intron variant.
Genome position (GRCh38, 1-based): chr2:25,274,936, C>T on the plus strand (G>A on the coding strand, the complement: DNMT3A is on the minus strand). VCF-style: chr2-25274936-C-T. GRCh37 (hg19) VCF-style: chr2-25497805-C-T.
Other names: c.639+5G>A (NM_175629.2).
Identifiers: ClinVar variation 3765674 (VCV003765674.1).
Genomic context (GRCh38, chr2:25,274,936, plus strand): 5'-GCCCATCACTTCTGGTTTTCCAGTTCTGCAGGACGGGCTGGGGCCCAGGCCAGAAGGCGC[C>T]TCACCTCCCTTTTCCAGCGTGCCAGCCACTCGTCCCGCTTGCGCTTGCTGATGTAGTAGG-3'

ClinVar aggregate classification (germline): Uncertain significance (1 of 4 stars; one submission).

Submission:

Greenwood Genetic Center Diagnostic Laboratories, Greenwood Genetic Center
Classification: Uncertain significance. Last evaluated: 2024-09-27. Review status: criteria provided, single submitter. Criteria: ACMG Guidelines, 2015. Collection method: clinical testing. Allele origin: germline. Affected: yes.
Comment: PM2